The following is an entry in ClinVar:

ClinVar aggregate classification (germline): Pathogenic (1 of 4 stars; one submission).

Submission:

Labcorp Genetics (formerly Invitae), Labcorp
Classification: Pathogenic. Last evaluated: 2026-01-21. Review status: criteria provided, single submitter. Criteria: Invitae Variant Classification Sherloc (09022015). Collection method: clinical testing. Allele origin: germline.
Comment: This sequence change creates a premature translational stop signal (p.Tyr56Leufs*146) in the SLC9A3 gene. It is expected to result in an absent or disrupted protein product. Loss-of-function variants in SLC9A3 are known to be pathogenic (PMID: 26358773). This variant is not present in population databases (gnomAD no frequency). This variant has not been reported in the literature in individuals affected with SLC9A3-related conditions. For these reasons, this variant has been classified as Pathogenic.

Literature cited by the submitters: PubMed 26358773.

NM_004174.4(SLC9A3):c.164_165insT (p.Tyr56fs)

Gene: SLC9A3 (solute carrier family 9 member A3). Cytogenetic location: 5p15.33.
Variant type: Insertion.
Coding change: c.164_165insT on transcript NM_004174.4 (MANE Select); coding-DNA positions 164 to 165, T inserted.
Protein change: p.Tyr56fs; shifts the reading frame from tyrosine 56.
Molecular consequence: frameshift variant.
Genome position: GRCh38 VCF-style: chr5-524158-G-GA. GRCh37 (hg19) VCF-style: chr5-524273-G-GA.
Other names: c.164_165insT, p.Tyr56fs (NM_001284351.3); short protein forms Y56fs.
Identifiers: ClinVar variation 4735948 (VCV004735948.1).